The following is an entry in ClinVar:

NM_000020.3(ACVRL1):c.1244del (p.Asn415fs)

Gene: ACVRL1 (activin A receptor like type 1; plus strand). Cytogenetic location: 12q13.13.
Variant type: Deletion.
Coding change: c.1244del on transcript NM_000020.3 (MANE Select); coding-DNA position 1244, one base deleted (A; older notation c.1244delA).
Protein change: p.Asn415fs; shifts the reading frame from asparagine 415.
Molecular consequence: frameshift variant. On other transcripts: intron variant (1).
Genome position (GRCh38, 1-based): chr12:51,916,231, A deleted; the last of 2 consecutive A bases (chr12:51,916,230-51,916,231); deleting either gives the same sequence. VCF-style (leftmost placement, unchanged base first): chr12-51916229-GA-G. GRCh37 (hg19) VCF-style: chr12-52310013-GA-G.
Other names: p.Asn415Metfs*24; c.1244del, p.Asn415fs (NM_001077401.2, NM_001406487.1, NM_001406488.1 and 1 more transcripts); c.932del, p.Asn311fs (NM_001406490.1, NM_001406491.1, NM_001406492.1 and 1 more transcripts); c.680del, p.Asn227fs (NM_001406495.1); c.736+731del (NM_001406494.1); short protein forms N227fs, N311fs, N415fs.
Identifiers: ClinVar variation 3381088 (VCV003381088.1).

ClinVar aggregate classification (germline): Likely pathogenic (1 of 4 stars; one submission).

Submission:

Mayo Clinic Laboratories, Mayo Clinic
Classification: Likely pathogenic. Last evaluated: 2023-10-17. Review status: criteria provided, single submitter. Criteria: ACMG Guidelines, 2015. Collection method: clinical testing. Allele origin: germline. Observed: 1 variant allele.
Comment: PM2, PVS1